The following is an entry in ClinVar:

NM_000059.4(BRCA2):c.8957T>C (p.Ile2986Thr)

Gene: BRCA2 (BRCA2 DNA repair associated; plus strand). Cytogenetic location: 13q13.1.
Variant type: single nucleotide variant.
Coding change: c.8957T>C on transcript NM_000059.4 (MANE Select); coding-DNA position 8957, T replaced by C.
Protein change: p.Ile2986Thr; replaces isoleucine 2986 with threonine.
Molecular consequence: missense variant.
Genome position (GRCh38, 1-based): chr13:32,379,753, T>C. VCF-style: chr13-32379753-T-C. GRCh37 (hg19) VCF-style: chr13-32953890-T-C.
Other names: I2986T.
Identifiers: ClinVar variation 96875 (VCV000096875.19), dbSNP rs431825372, ClinGen allele CA025899.

ClinVar aggregate classification (germline): Conflicting classifications of pathogenicity. Review status: criteria provided, conflicting classifications (1 of 4 stars). 6 submissions from 6 submitters: Uncertain significance (4); Benign (1). 1 of the submissions does not count toward it. Last evaluated 2026-01-18.

Conditions:
Hereditary cancer-predisposing syndrome. Also called: Hereditary Cancer Syndrome; Neoplastic Syndromes, Hereditary; Hereditary neoplastic syndrome; Tumor predisposition. Identifiers: Orphanet 140162, MedGen C0027672, MeSH D009386, MONDO:0015356.
Hereditary breast ovarian cancer syndrome. Also called: Breast and ovarian cancer; Hereditary breast and/or ovarian cancer syndrome; Hereditary breast and ovarian cancer; Hereditary breast and ovarian cancer syndrome; Hereditary breast and ovarian cancer syndrome (HBOC); BRCA1- and BRCA2-Associated Hereditary Breast and Ovarian Cancer. Identifiers: Orphanet 145, MedGen C0677776, MeSH D061325, MONDO:0003582. Disease mechanism: loss of function.
Breast-ovarian cancer, familial, susceptibility to, 2 (BROVCA2). Also called: BRCA2 Hereditary Breast and Ovarian Cancer. Identifiers: Orphanet 145, MedGen C2675520, MONDO:0012933, OMIM 612555. Disease mechanism: loss of function.

Allele frequency attached by ClinVar (database versions not stated): gnomAD exomes below 0.00001; TOPMed below 0.00001.
gnomAD v4.1: 3 of 1,610,344 alleles (0.00019%); highest among the groups gnomAD compares: Non-Finnish European, 0.00017%; no homozygotes.

Submissions (6):

Labcorp Genetics (formerly Invitae), Labcorp
Classification: Uncertain significance for Hereditary breast ovarian cancer syndrome. Last evaluated: 2026-01-18. Review status: criteria provided, single submitter. Criteria: Invitae Variant Classification Sherloc (09022015). Collection method: clinical testing. Allele origin: germline.
Comment: This sequence change replaces isoleucine, which is neutral and non-polar, with threonine, which is neutral and polar, at codon 2986 of the BRCA2 protein (p.Ile2986Thr). This variant is not present in population databases (gnomAD no frequency). This variant has not been reported in the literature in individuals affected with BRCA2-related conditions. ClinVar contains an entry for this variant (Variation ID: 96875). Invitae Evidence Modeling of protein sequence and biophysical properties (such as structural, functional, and spatial information, amino acid conservation, physicochemical variation, residue mobility, and thermodynamic stability) indicates that this missense variant is not expected to disrupt BRCA2 protein function with a negative predictive value of 95%. In summary, the available evidence is currently insufficient to determine the role of this variant in disease. Therefore, it has been classified as a Variant of Uncertain Significance.

Ambry Genetics
Classification: Benign for Hereditary cancer-predisposing syndrome. Last evaluated: 2025-05-22. Review status: criteria provided, single submitter. Criteria: Ambry Variant Classification Scheme 2023. Collection method: clinical testing. Allele origin: germline.

All of Us Research Program, National Institutes of Health
Classification: Uncertain significance for Breast-ovarian cancer, familial, susceptibility to, 2. Last evaluated: 2023-10-02. Review status: criteria provided, single submitter. Criteria: ACMG Guidelines, 2015. Collection method: clinical testing. Allele origin: germline. Inheritance: Autosomal dominant inheritance. Observed: 1 variant allele, 1 heterozygote.
Comment: This missense variant replaces isoleucine with threonine at codon 2986 of the BRCA2 protein. Computational prediction suggests that this variant may not impact protein structure and function (internally defined REVEL score threshold <= 0.5, PMID: 27666373). To our knowledge, functional studies have not been reported for this variant. This variant has not been reported in individuals affected with BRCA2-related disorders in the literature. This variant has not been identified in the general population by the Genome Aggregation Database (gnomAD). The available evidence is insufficient to determine the role of this variant in disease conclusively. Therefore, this variant is classified as a Variant of Uncertain Significance.

This study involves interpretation of variants in research participants for the purpose of population health screening. Participant phenotype was not available at the time of variant classification. Additional details can be found in publication PMID: 35346344, PMCID: PMC8962531

Color Diagnostics, LLC DBA Color Health
Classification: Uncertain significance for Hereditary cancer-predisposing syndrome. Last evaluated: 2023-09-06. Review status: criteria provided, single submitter. Criteria: ACMG Guidelines, 2015. Collection method: clinical testing. Allele origin: germline.
Comment: This missense variant replaces isoleucine with threonine at codon 2986 of the BRCA2 protein. Computational prediction suggests that this variant may not impact protein structure and function (internally defined REVEL score threshold <= 0.5, PMID: 27666373). To our knowledge, functional studies have not been reported for this variant. This variant has not been reported in individuals affected with BRCA2-related disorders in the literature. This variant has not been identified in the general population by the Genome Aggregation Database (gnomAD). The available evidence is insufficient to determine the role of this variant in disease conclusively. Therefore, this variant is classified as a Variant of Uncertain Significance.

Women's Health and Genetics/Laboratory Corporation of America, LabCorp
Classification: Uncertain significance. Last evaluated: 2020-12-03. Review status: criteria provided, single submitter. Criteria: LabCorp Variant Classification Summary - May 2015. Collection method: clinical testing. Allele origin: germline.
Comment: Variant summary: BRCA2 c.8957T>C (p.Ile2986Thr) results in a non-conservative amino acid change in the encoded protein sequence. Four of five in-silico tools predict a benign effect of the variant on protein function. The variant was absent in 250792 control chromosomes (gnomAD). The available data on variant occurrences in the general population are insufficient to allow any conclusion about variant significance. To our knowledge, no occurrence of c.8957T>C in individuals affected with Hereditary Breast and Ovarian Cancer Syndrome and no experimental evidence demonstrating its impact on protein function have been reported. One ClinVar submitter (evaluation after 2014) cite the variant as uncertain significance. Based on the evidence outlined above, the variant was classified as uncertain significance.

Sharing Clinical Reports Project (SCRP)
Classification: Uncertain significance for Breast-ovarian cancer, familial 2. Last evaluated: 2007-04-30. Review status: no assertion criteria provided. Collection method: clinical testing. Allele origin: germline. Not counted in ClinVar's aggregate classification.